The following is an entry in ClinVar:

NM_001367624.2(ZNF469):c.8808G>T (p.Glu2936Asp)

Gene: ZNF469 (zinc finger protein 469; plus strand). Cytogenetic location: 16q24.2.
Variant type: single nucleotide variant.
Coding change: c.8808G>T on transcript NM_001367624.2 (MANE Select); coding-DNA position 8808, G replaced by T.
Protein change: p.Glu2936Asp; replaces glutamic acid 2936 with aspartic acid.
Molecular consequence: missense variant.
Genome position (GRCh38, 1-based): chr16:88,436,278, G>T. VCF-style: chr16-88436278-G-T. GRCh37 (hg19) VCF-style: chr16-88502686-G-T.
Other names: NM_001127464.1:c.8724G>T; short protein forms E2936D.
Identifiers: ClinVar variation 2626135 (VCV002626135.3), dbSNP rs1159809643, ClinGen allele CA397119474.

ClinVar aggregate classification (germline): Uncertain significance. Review status: criteria provided, multiple submitters, no conflicts (2 of 4 stars). 2 submissions from 2 submitters: Uncertain significance (2). Last evaluated 2026-04-27.

Conditions:
Cardiovascular phenotype. Identifiers: MedGen CN230736.

Allele frequency attached by ClinVar (database versions not stated): TOPMed below 0.00001; gnomAD 0.00001.
gnomAD v4.1: 1 of 1,549,922 alleles (0.000065%); highest among the groups gnomAD compares: Admixed American, 0.002%; no homozygotes.

Submissions (2):

Women's Health and Genetics/Laboratory Corporation of America, LabCorp
Classification: Uncertain significance. Last evaluated: 2026-04-27. Review status: criteria provided, single submitter. Criteria: LabCorp Variant Classification Summary - May 2015. Collection method: clinical testing. Allele origin: germline.
Comment: Variant summary: ZNF469 c.8808G>T (p.Glu2936Asp) results in a conservative amino acid change in the encoded protein sequence. Algorithms developed to predict the effect of missense changes on protein structure and function are either unavailable or do not agree on the potential impact of this missense change. The variant was absent in 149698 control chromosomes. The available data on variant occurrences in the general population are insufficient to allow any conclusion about variant significance. To our knowledge, no occurrence of c.8808G>T in individuals affected with ZNF469-related conditions and no experimental evidence demonstrating its impact on protein function have been reported. ClinVar contains an entry for this variant (Variation ID: 2626135). Based on the evidence outlined above, the variant was classified as uncertain significance.

Ambry Genetics
Classification: Uncertain significance for Cardiovascular phenotype. Last evaluated: 2023-09-11. Review status: criteria provided, single submitter. Criteria: Ambry Variant Classification Scheme 2023. Collection method: clinical testing. Allele origin: germline.
Comment: The p.E2908D variant (also known as c.8724G>T), located in coding exon 2 of the ZNF469 gene, results from a G to T substitution at nucleotide position 8724. The glutamic acid at codon 2908 is replaced by aspartic acid, an amino acid with highly similar properties. This amino acid position is not well conserved in available vertebrate species. In addition, this alteration is predicted to be tolerated by in silico analysis. Since supporting evidence is limited at this time, the clinical significance of this alteration remains unclear.